The following is an entry in ClinVar:

NM_025137.4(SPG11):c.734T>G (p.Met245Arg)

Gene: SPG11 (SPG11 vesicle trafficking associated, spatacsin; minus strand). Cytogenetic location: 15q21.1.
Variant type: single nucleotide variant.
Coding change: c.734T>G on transcript NM_025137.4 (MANE Select); coding-DNA position 734, T replaced by G.
Protein change: p.Met245Arg; replaces methionine 245 with arginine.
Molecular consequence: missense variant.
Genome position (GRCh38, 1-based): chr15:44,657,230, A>C on the plus strand (T>G on the coding strand, the complement: SPG11 is on the minus strand). VCF-style: chr15-44657230-A-C. GRCh37 (hg19) VCF-style: chr15-44949428-A-C.
Other names: c.734T>G, p.Met245Arg (NM_001160227.2, NM_001411132.1); short protein forms M245R.
Identifiers: ClinVar variation 1957503 (VCV001957503.3), dbSNP rs1358317137, ClinGen allele CA392237403.

ClinVar aggregate classification (germline): Uncertain significance. Review status: criteria provided, multiple submitters, no conflicts (2 of 4 stars). 2 submissions from 2 submitters: Uncertain significance (2). Last evaluated 2025-10-29.

Conditions:
Hereditary spastic paraplegia 11. Also called: Spastic paraplegia, mental retardation and thin corpus callosum; Spastic Paraplegia 11; Nakamura Osame syndrome; Autosomal recessive hereditary spastic paraplegia, mental impairment, and thin corpus callosum; SPASTIC PARAPLEGIA, AUTOSOMAL RECESSIVE, COMPLICATED, WITH THIN CORPUS CALLOSUM; SPASTIC PARAPLEGIA, AUTOSOMAL RECESSIVE, WITH MENTAL IMPAIRMENT AND THIN CORPUS CALLOSUM. Identifiers: Orphanet 2822, MedGen C1858479, MONDO:0011445, OMIM 604360.

Allele frequency attached by ClinVar (database versions not stated): gnomAD exomes below 0.00001; TOPMed below 0.00001.
gnomAD v4.1: 1 of 1,613,994 alleles (0.000062%); highest among the groups gnomAD compares: African/African-American, 0.0013%; no homozygotes.

Submissions (2):

Women's Health and Genetics/Laboratory Corporation of America, LabCorp
Classification: Uncertain significance. Last evaluated: 2025-10-29. Review status: criteria provided, single submitter. Criteria: LabCorp Variant Classification Summary - May 2015. Collection method: clinical testing. Allele origin: germline.
Comment: Variant summary: SPG11 c.734T>G (p.Met245Arg) results in a non-conservative amino acid change in the encoded protein sequence. Algorithms developed to predict the effect of missense changes on protein structure and function are either unavailable or do not agree on the potential impact of this missense change. The variant was absent in 251452 control chromosomes. The available data on variant occurrences in the general population are insufficient to allow any conclusion about variant significance. To our knowledge, no occurrence of c.734T>G in individuals affected with SPG11-related conditions and no experimental evidence demonstrating its impact on protein function have been reported. ClinVar contains an entry for this variant (Variation ID: 1957503). Based on the evidence outlined above, the variant was classified as uncertain significance.

Labcorp Genetics (formerly Invitae), Labcorp
Classification: Uncertain significance for Hereditary spastic paraplegia 11. Last evaluated: 2022-05-12. Review status: criteria provided, single submitter. Criteria: Invitae Variant Classification Sherloc (09022015). Collection method: clinical testing. Allele origin: germline.
Comment: This sequence change replaces methionine, which is neutral and non-polar, with arginine, which is basic and polar, at codon 245 of the SPG11 protein (p.Met245Arg). This variant is not present in population databases (gnomAD no frequency). This variant has not been reported in the literature in individuals affected with SPG11-related conditions. Algorithms developed to predict the effect of missense changes on protein structure and function are either unavailable or do not agree on the potential impact of this missense change (SIFT: "Deleterious"; PolyPhen-2: "Benign"; Align-GVGD: "Class C0"). Algorithms developed to predict the effect of sequence changes on RNA splicing suggest that this variant may disrupt the consensus splice site. In summary, the available evidence is currently insufficient to determine the role of this variant in disease. Therefore, it has been classified as a Variant of Uncertain Significance.